The following is an entry in ClinVar:

ClinVar aggregate classification (germline): Uncertain significance (1 of 4 stars; one submission).

Conditions:
Kabuki syndrome 2 (KABUK2). Also called: KDM6A-Related Kabuki Syndrome. Identifiers: Orphanet 2322, MedGen C3275495, MONDO:0010465, OMIM 300867.

Submissions (2):

Labcorp Genetics (formerly Invitae), Labcorp
Classification: Uncertain significance for Kabuki syndrome 2. Last evaluated: 2024-02-24. Review status: criteria provided, single submitter. Criteria: Invitae Variant Classification Sherloc (09022015). Collection method: clinical testing. Allele origin: germline.
Comment: This sequence change replaces lysine, which is basic and polar, with glutamic acid, which is acidic and polar, at codon 1293 of the KDM6A protein (p.Lys1293Glu). This variant is not present in population databases (gnomAD no frequency). This variant has not been reported in the literature in individuals affected with KDM6A-related conditions. ClinVar contains an entry for this variant (Variation ID: 2105247). An algorithm developed to predict the effect of missense changes on protein structure and function (PolyPhen-2) suggests that this variant is likely to be disruptive. In summary, the available evidence is currently insufficient to determine the role of this variant in disease. Therefore, it has been classified as a Variant of Uncertain Significance.

Dr. Peter K. Rogan Lab, Western University
No classification provided (evidence only). Condition: Thyroid cancer, nonmedullary, 1. Review status: no classification provided. Collection method: in vitro. Allele origin: not applicable. Functional consequence: retained intron. Not counted in ClinVar's aggregate classification.

NM_001291415.2(KDM6A):c.4033A>G (p.Lys1345Glu)

Gene: KDM6A (lysine demethylase 6A; plus strand). Cytogenetic location: Xp11.3.
Variant type: single nucleotide variant.
Coding change: c.4033A>G on transcript NM_001291415.2 (MANE Select); coding-DNA position 4033, A replaced by G.
Protein change: p.Lys1345Glu; replaces lysine 1345 with glutamic acid.
Molecular consequence: missense variant.
Genome position (GRCh38, 1-based): chrX:45,090,863, A>G. VCF-style: chrX-45090863-A-G. GRCh37 (hg19) VCF-style: chrX-44950108-A-G.
Other names: c.3898A>G, p.Lys1300Glu (NM_001291416.2); c.3742A>G, p.Lys1248Glu (NM_001291417.2); c.3640A>G, p.Lys1214Glu (NM_001291418.2); c.2989A>G, p.Lys997Glu (NM_001291421.2); c.3775A>G, p.Lys1259Glu (NM_001410742.1); c.3877A>G, p.Lys1293Glu (NM_021140.4); short protein forms K1214E, K1248E, K1259E, K1300E, K1345E, K1293E, K997E.
Identifiers: ClinVar variation 2105247 (VCV002105247.5), dbSNP rs2523355238, ClinGen allele CA412808810.